The following is an entry in ClinVar:

ClinVar aggregate classification (germline): Uncertain significance. Review status: criteria provided, single submitter (1 of 4 stars). 2 submissions from 2 submitters: Uncertain significance (1). 1 of the submissions does not count toward it. Last evaluated 2025-08-04.

Conditions:
TP53I3-related disorder. Also called: TP53I3-related condition.

Allele frequency attached by ClinVar (database versions not stated): 1000 Genomes Project 0.00040; gnomAD 0.00049; ESP Exome Variant Server 0.00031; gnomAD exomes 0.00017; TOPMed 0.00045; ExAC 0.00019; 1000 Genomes Project 30x 0.00047.
gnomAD v4.1: 323 of 1,614,116 alleles (0.02%); highest among the groups gnomAD compares: African/African-American, 0.13%; no homozygotes.

Submissions (2):

Ambry Genetics
Classification: Uncertain significance. Last evaluated: 2025-08-04. Review status: criteria provided, single submitter. Criteria: Ambry Variant Classification Scheme 2023. Collection method: clinical testing. Allele origin: germline.

PreventionGenetics, part of Exact Sciences
Classification: Likely benign for TP53I3-related condition. Last evaluated: 2020-11-02. Review status: no assertion criteria provided. Collection method: clinical testing. Allele origin: germline. Not counted in ClinVar's aggregate classification.
Comment: This variant is classified as likely benign based on ACMG/AMP sequence variant interpretation guidelines (Richards et al. 2015 PMID: 25741868, with internal and published modifications).

NM_004881.5(TP53I3):c.602C>T (p.Thr201Met)

Genes: FAM228B (family with sequence similarity 228 member B; plus strand), TP53I3 (tumor protein p53 inducible protein 3; minus strand). Cytogenetic location: 2p23.3.
Variant type: single nucleotide variant.
Coding change: c.602C>T on transcript NM_004881.5 (MANE Select); coding-DNA position 602, C replaced by T.
Protein change: p.Thr201Met; replaces threonine 201 with methionine.
Molecular consequence: missense variant. On other transcripts: intron variant (1).
Genome position (GRCh38, 1-based): chr2:24,080,836, G>A on the plus strand (C>T on the coding strand, the complement: TP53I3 is on the minus strand). VCF-style: chr2-24080836-G-A. GRCh37 (hg19) VCF-style: chr2-24303706-G-A.
Other names: c.602C>T, p.Thr201Met (NM_001206802.2, NM_147184.4); c.-289-40G>A (NM_001291328.2); short protein forms T201M.
Identifiers: ClinVar variation 2520390 (VCV002520390.5), dbSNP rs148103343, ClinGen allele CA1549601.